The following is an entry in ClinVar:

ClinVar aggregate classification (germline): Uncertain significance (1 of 4 stars; one submission).

Conditions:
Frontotemporal dementia and/or amyotrophic lateral sclerosis 1 (FTDALS1). Also called: C9orf72 Frontotemporal Dementia and/or Amyotrophic Lateral Sclerosis; Frontotemporal dementia with motor neuron disease 1. Identifiers: Orphanet 275872, MedGen C5779877, MONDO:0007105, OMIM 105550.
Paget disease of bone 2, early-onset (PDB2). Also called: Paget disease of bone 2. Identifiers: MedGen C4085251, MONDO:0011183, OMIM 602080.

Allele frequency attached by ClinVar (database versions not stated): gnomAD 0.00001; gnomAD exomes 0.00001; TOPMed 0.00001; ExAC 0.00002; 1000 Genomes Project 30x 0.00016; 1000 Genomes Project 0.00020.
gnomAD v4.1: 17 of 1,613,858 alleles (0.0011%); highest among the groups gnomAD compares: Admixed American, 0.0017%; no homozygotes.

Submission:

Labcorp Genetics (formerly Invitae), Labcorp
Classification: Uncertain significance for Paget disease of bone 2, early-onset; Frontotemporal dementia and/or amyotrophic lateral sclerosis 1. Last evaluated: 2024-01-09. Review status: criteria provided, single submitter. Criteria: Invitae Variant Classification Sherloc (09022015). Collection method: clinical testing. Allele origin: germline.
Comment: This sequence change replaces glycine, which is neutral and non-polar, with arginine, which is basic and polar, at codon 173 of the SQSTM1 protein (p.Gly173Arg). This variant is present in population databases (rs200731802, gnomAD 0.007%). This variant has not been reported in the literature in individuals affected with SQSTM1-related conditions. ClinVar contains an entry for this variant (Variation ID: 1393147). Advanced modeling of protein sequence and biophysical properties (such as structural, functional, and spatial information, amino acid conservation, physicochemical variation, residue mobility, and thermodynamic stability) performed at Invitae indicates that this missense variant is not expected to disrupt SQSTM1 protein function with a negative predictive value of 80%. In summary, the available evidence is currently insufficient to determine the role of this variant in disease. Therefore, it has been classified as a Variant of Uncertain Significance.

NM_003900.5(SQSTM1):c.517G>A (p.Gly173Arg)

Gene: SQSTM1 (sequestosome 1; plus strand). Cytogenetic location: 5q35.3.
Variant type: single nucleotide variant.
Coding change: c.517G>A on transcript NM_003900.5 (MANE Select); coding-DNA position 517, G replaced by A.
Protein change: p.Gly173Arg; replaces glycine 173 with arginine.
Molecular consequence: missense variant.
Genome position (GRCh38, 1-based): chr5:179,824,073, G>A. VCF-style: chr5-179824073-G-A. GRCh37 (hg19) VCF-style: chr5-179251073-G-A.
Other names: c.265G>A, p.Gly89Arg (NM_001142298.2, NM_001142299.2); short protein forms G89R, G173R.
Identifiers: ClinVar variation 1393147 (VCV001393147.8), dbSNP rs200731802, ClinGen allele CA3600533.